The following is an entry in ClinVar:

ClinVar aggregate classification (germline): Uncertain significance (1 of 4 stars; one submission).

Conditions:
Familial cold autoinflammatory syndrome 3 (FCAS3). Also called: ANTIBODY DEFICIENCY AND IMMUNE DYSREGULATION, PLCG2-ASSOCIATED; FAMILIAL ATYPICAL COLD URTICARIA. Identifiers: Orphanet 300359, MedGen C3280914, MONDO:0013766, OMIM 614468.

gnomAD v4.1: 1 of 1,612,652 alleles (0.000062%); highest among the groups gnomAD compares: Admixed American, 0.0017%; no homozygotes.

Submission:

Labcorp Genetics (formerly Invitae), Labcorp
Classification: Uncertain significance for Familial cold autoinflammatory syndrome 3. Last evaluated: 2023-09-14. Review status: criteria provided, single submitter. Criteria: Invitae Variant Classification Sherloc (09022015). Collection method: clinical testing. Allele origin: germline.
Comment: This sequence change falls in intron 32 of the PLCG2 gene. It does not directly change the encoded amino acid sequence of the PLCG2 protein. It affects a nucleotide within the consensus splice site. This variant is not present in population databases (gnomAD no frequency). This variant has not been reported in the literature in individuals affected with PLCG2-related conditions. Variants that disrupt the consensus splice site are a relatively common cause of aberrant splicing (PMID: 17576681, 9536098). Algorithms developed to predict the effect of sequence changes on RNA splicing suggest that this variant may disrupt the consensus splice site. In summary, the available evidence is currently insufficient to determine the role of this variant in disease. Therefore, it has been classified as a Variant of Uncertain Significance.

Literature cited by the submitters: PubMed 17576681; PubMed 9536098.

NM_002661.5(PLCG2):c.3755+1G>A

Gene: PLCG2 (phospholipase C gamma 2; plus strand). Cytogenetic location: 16q23.3.
Variant type: single nucleotide variant.
Coding change: c.3755+1G>A on transcript NM_002661.5 (MANE Select); the canonical splice donor site of the intron after coding-DNA position 3755, G replaced by A.
Molecular consequence: splice donor variant.
Genome position (GRCh38, 1-based): chr16:81,956,880, G>A. VCF-style: chr16-81956880-G-A. GRCh37 (hg19) VCF-style: chr16-81990485-G-A.
Identifiers: ClinVar variation 2775526 (VCV002775526.3), dbSNP rs2507822771, ClinGen allele CA396898726.